The following is an entry in ClinVar:

NM_001105206.3(LAMA4):c.1520G>A (p.Arg507Lys)

Gene: LAMA4 (laminin subunit alpha 4; minus strand). Cytogenetic location: 6q21.
Variant type: single nucleotide variant.
Coding change: c.1520G>A on transcript NM_001105206.3 (MANE Select); coding-DNA position 1520, G replaced by A.
Protein change: p.Arg507Lys; replaces arginine 507 with lysine.
Molecular consequence: missense variant.
Genome position (GRCh38, 1-based): chr6:112,172,642, C>T on the plus strand (G>A on the coding strand, the complement: LAMA4 is on the minus strand). VCF-style: chr6-112172642-C-T. GRCh37 (hg19) VCF-style: chr6-112493844-C-T.
Other names: c.1499G>A, p.Arg500Lys (NM_001105207.3, NM_002290.5); short protein forms R500K, R507K.
Identifiers: ClinVar variation 3764572 (VCV003764572.1).

ClinVar aggregate classification (germline): Uncertain significance (1 of 4 stars; one submission).

Conditions:
Dilated cardiomyopathy 1JJ (CMD1JJ). Identifiers: Orphanet 154, MedGen C3808935, MONDO:0014095, OMIM 615235.

gnomAD v4.1: 1 of 1,613,182 alleles (0.000062%); highest among the groups gnomAD compares: South Asian, 0.0011%; no homozygotes.

Submission:

Daryl Scott Lab, Baylor College of Medicine
Classification: Uncertain significance for Dilated cardiomyopathy 1JJ. Last evaluated: 2024-01-01. Review status: criteria provided, single submitter. Criteria: ACMG Guidelines, 2015. Collection method: clinical testing. Allele origin: unknown. Observed: 1 heterozygote.
Comment: PM2, PP3